The following is an entry in ClinVar:

NM_152419.3(HGSNAT):c.1901A>C (p.Lys634Thr)

Gene: HGSNAT (heparan-alpha-glucosaminide N-acetyltransferase; plus strand). Cytogenetic location: 8p11.21.
Variant type: single nucleotide variant.
Coding change: c.1901A>C on transcript NM_152419.3 (MANE Select); coding-DNA position 1901, A replaced by C.
Protein change: p.Lys634Thr; replaces lysine 634 with threonine.
Molecular consequence: missense variant.
Genome position (GRCh38, 1-based): chr8:43,199,562, A>C. VCF-style: chr8-43199562-A-C. GRCh37 (hg19) VCF-style: chr8-43054705-A-C.
Other names: c.1988A>C, p.Lys663Thr (NM_001363227.2); c.1709A>C, p.Lys570Thr (NM_001363228.2); c.1037A>C, p.Lys346Thr (NM_001363229.2); short protein forms K570T, K634T, K346T, K663T.
Identifiers: ClinVar variation 1480286 (VCV001480286.8), dbSNP rs2130826037, ClinGen allele CA371121878.

ClinVar aggregate classification (germline): Uncertain significance (1 of 4 stars; one submission).

Conditions:
Mucopolysaccharidosis, MPS-III-C (MPS3C). Also called: SANFILIPPO SYNDROME C; MPS III C; MPS IIIC (Sanfilippo Syndrome Type C); MUCOPOLYSACCHARIDOSIS, TYPE IIIC; Mucopolysaccharidosis type IIIC (Sanfilippo C); mucopolysaccharidosis type 3C. Identifiers: Orphanet 581, Orphanet 79271, MedGen C0086649, MONDO:0009657, OMIM 252930.
Retinitis pigmentosa 73 (RP73). Identifiers: Orphanet 791, MedGen C4225287, MONDO:0014687, OMIM 616544.

Submission:

Labcorp Genetics (formerly Invitae), Labcorp
Classification: Uncertain significance for Retinitis pigmentosa 73; Mucopolysaccharidosis, MPS-III-C. Last evaluated: 2025-09-15. Review status: criteria provided, single submitter. Criteria: Invitae Variant Classification Sherloc (09022015). Collection method: clinical testing. Allele origin: germline.
Comment: This sequence change replaces lysine, which is basic and polar, with threonine, which is neutral and polar, at codon 634 of the HGSNAT protein (p.Lys634Thr). This variant is not present in population databases (gnomAD no frequency). This variant has not been reported in the literature in individuals affected with HGSNAT-related conditions. ClinVar contains an entry for this variant (Variation ID: 1480286). Invitae Evidence Modeling of protein sequence and biophysical properties (such as structural, functional, and spatial information, amino acid conservation, physicochemical variation, residue mobility, and thermodynamic stability) has been performed for this missense variant. However, the output from this modeling did not meet the statistical confidence thresholds required to predict the impact of this variant on HGSNAT protein function. In summary, the available evidence is currently insufficient to determine the role of this variant in disease. Therefore, it has been classified as a Variant of Uncertain Significance.